The following is an entry in ClinVar:

NC_000019.9:g.(?_17666523)_(17671294_?)dup

Gene: COLGALT1 (collagen beta(1-O)galactosyltransferase 1; plus strand). Cytogenetic location: 19p13.11.
Variant type: Duplication.
Identifiers: ClinVar variation 2426855 (VCV002426855.4).

ClinVar aggregate classification (germline): Uncertain significance (1 of 4 stars; one submission).

Submission:

Labcorp Genetics (formerly Invitae), Labcorp
Classification: Uncertain significance. Last evaluated: 2022-04-06. Review status: criteria provided, single submitter. Criteria: Invitae Variant Classification Sherloc (09022015). Collection method: clinical testing. Allele origin: germline.
Comment: This variant results in a copy number gain of the genomic region encompassing exon(s) 1-3 of the COLGALT1 gene. This region includes the initiator codon of the gene. This copy number gain extends beyond the assayed region for this gene and therefore may encompass additional genes. As the precise location of this event is unknown, it may be in tandem or it may be located elsewhere in the genome. This variant has not been reported in the literature in individuals affected with COLGALT1-related conditions. In summary, the available evidence is currently insufficient to determine the role of this variant in disease. Therefore, it has been classified as a Variant of Uncertain Significance.